The following is an entry in ClinVar:

NM_000263.4(NAGLU):c.700C>G (p.Arg234Gly)

Gene: NAGLU (N-acetyl-alpha-glucosaminidase; plus strand). Cytogenetic location: 17q21.2.
Variant type: single nucleotide variant.
Coding change: c.700C>G on transcript NM_000263.4 (MANE Select); coding-DNA position 700, C replaced by G.
Protein change: p.Arg234Gly; replaces arginine 234 with glycine.
Molecular consequence: missense variant.
Genome position (GRCh38, 1-based): chr17:42,538,691, C>G. VCF-style: chr17-42538691-C-G. GRCh37 (hg19) VCF-style: chr17-40690709-C-G.
Other names: short protein forms R234G.
Identifiers: ClinVar variation 1013390 (VCV001013390.41), dbSNP rs104894601, ClinGen allele CA399598919.

ClinVar aggregate classification (germline): Likely pathogenic. Review status: criteria provided, multiple submitters, no conflicts (2 of 4 stars). 2 submissions from 2 submitters: Likely pathogenic (2). Last evaluated 2023-09-05.

Conditions:
Mucopolysaccharidosis, MPS-III-B (MPS3B). Also called: MPS III B; MPS IIIB (Sanfilippo Syndrome Type B); Mucopolysaccharidosis type IIIB (Sanfilippo B); MUCOPOLYSACCHARIDOSIS, TYPE IIIB; N-ACETYL-ALPHA-D-GLUCOSAMINIDASE DEFICIENCY; NAGLU DEFICIENCY. Identifiers: Orphanet 79270, MedGen C0086648, MONDO:0009656, OMIM 252920.
Charcot-Marie-Tooth disease axonal type 2V. Also called: CHARCOT-MARIE-TOOTH NEUROPATHY, TYPE 2V; CHARCOT-MARIE-TOOTH DISEASE, AXONAL, AUTOSOMAL DOMINANT, TYPE 2V. Identifiers: Orphanet 447964, MedGen C5569050, MONDO:0014665, OMIM 616491.

Submissions (2):

Labcorp Genetics (formerly Invitae), Labcorp
Classification: Likely pathogenic for Charcot-Marie-Tooth disease axonal type 2V; Mucopolysaccharidosis, MPS-III-B. Last evaluated: 2023-09-05. Review status: criteria provided, single submitter. Criteria: Invitae Variant Classification Sherloc (09022015). Collection method: clinical testing. Allele origin: germline.
Comment: Advanced modeling of protein sequence and biophysical properties (such as structural, functional, and spatial information, amino acid conservation, physicochemical variation, residue mobility, and thermodynamic stability) performed at Invitae indicates that this missense variant is expected to disrupt NAGLU protein function. This sequence change replaces arginine, which is basic and polar, with glycine, which is neutral and non-polar, at codon 234 of the NAGLU protein (p.Arg234Gly). This variant is not present in population databases (gnomAD no frequency). This missense change has been observed in individual(s) with mucopolysaccharidosis type III (PMID: 33673364, 33747789). ClinVar contains an entry for this variant (Variation ID: 1013390). This variant disrupts the p.Arg234 amino acid residue in NAGLU. Other variant(s) that disrupt this residue have been determined to be pathogenic (PMID: 9832037, 11286389, 18218046, 30070758). This suggests that this residue is clinically significant, and that variants that disrupt this residue are likely to be disease-causing. In summary, the currently available evidence indicates that the variant is pathogenic, but additional data are needed to prove that conclusively. Therefore, this variant has been classified as Likely Pathogenic.

CeGaT Center for Human Genetics Tuebingen
Classification: Likely pathogenic. Last evaluated: 2020-11-01. Review status: criteria provided, single submitter. Criteria: CeGaT Center For Human Genetics Tuebingen Variant Classification Criteria Version 2. Collection method: clinical testing. Allele origin: germline. Affected: yes. Observed: 1 variant allele.

Literature cited by the submitters: PubMed 33673364 (cited by Labcorp Genetics (formerly Invitae), Labcorp); PubMed 33747789 (cited by Labcorp Genetics (formerly Invitae), Labcorp); PubMed 9832037 (cited by Labcorp Genetics (formerly Invitae), Labcorp); PubMed 11286389 (cited by Labcorp Genetics (formerly Invitae), Labcorp); PubMed 18218046 (cited by Labcorp Genetics (formerly Invitae), Labcorp); PubMed 30070758 (cited by Labcorp Genetics (formerly Invitae), Labcorp).